The following is an entry in ClinVar:

NM_000264.5(PTCH1):c.3151T>C (p.Trp1051Arg)

Gene: PTCH1 (patched 1; minus strand). Cytogenetic location: 9q22.32.
Variant type: single nucleotide variant.
Coding change: c.3151T>C on transcript NM_000264.5 (MANE Select); coding-DNA position 3151, T replaced by C.
Protein change: p.Trp1051Arg; replaces tryptophan 1051 with arginine.
Molecular consequence: missense variant. On other transcripts: non-coding transcript variant (1).
Genome position (GRCh38, 1-based): chr9:95,458,030, A>G on the plus strand (T>C on the coding strand, the complement: PTCH1 is on the minus strand). VCF-style: chr9-95458030-A-G. GRCh37 (hg19) VCF-style: chr9-98220312-A-G.
Other names: c.2698T>C, p.Trp900Arg (NM_001083606.3, NM_001083607.3, NM_001083604.3 and 1 more transcripts); c.2995T>C, p.Trp999Arg (NM_001354918.2); c.2953T>C, p.Trp985Arg (NM_001083602.3); c.3148T>C, p.Trp1050Arg (NM_001083603.3); short protein forms W1051R, W985R, W999R, W1050R, W900R.
Identifiers: ClinVar variation 4842283 (VCV004842283.2).

ClinVar aggregate classification (germline): Uncertain significance (1 of 4 stars; one submission).

Conditions:
Hereditary cancer-predisposing syndrome. Also called: Neoplastic Syndromes, Hereditary; Tumor predisposition; Hereditary Cancer Syndrome; Hereditary neoplastic syndrome. Identifiers: Orphanet 140162, MedGen C0027672, MeSH D009386, MONDO:0015356.

Submission:

Ambry Genetics
Classification: Uncertain significance for Hereditary cancer-predisposing syndrome. Last evaluated: 2026-07-30. Review status: criteria provided, single submitter. Criteria: Ambry Variant Classification Scheme 2023. Collection method: clinical testing. Allele origin: germline.
Comment: The p.W1051R variant (also known as c.3151T>C), located in coding exon 18 of the PTCH1 gene, results from a T to C substitution at nucleotide position 3151. The tryptophan at codon 1051 is replaced by arginine, an amino acid with dissimilar properties. This amino acid position is highly conserved in available vertebrate species. In addition, this alteration is predicted to be deleterious by in silico analysis. Based on the available evidence, the clinical significance of this variant remains unclear.